The following is an entry in ClinVar:

ClinVar aggregate classification (germline): Uncertain significance (1 of 4 stars; one submission).

Submission:

Ambry Genetics
Classification: Uncertain significance. Last evaluated: 2022-03-01. Review status: criteria provided, single submitter. Criteria: Ambry Variant Classification Scheme 2023. Collection method: clinical testing. Allele origin: germline.
Comment: The p.G406C variant (also known as c.1216G>T), located in coding exon 9 of the RECQL gene, results from a G to T substitution at nucleotide position 1216. The amino acid change results in glycine to cysteine at codon 406, an amino acid with highly dissimilar properties. However, this change occurs in the last base pair of coding exon 9, which makes it likely to have some effect on normal mRNA splicing. This nucleotide position is highly conserved in available vertebrate species. This amino acid position is highly conserved in available vertebrate species. In silico splice site analysis predicts that this alteration will weaken the native splice donor site. In addition, as a missense substitution this alteration is predicted to be deleterious by in silico analysis. However, the evidence for this gene-disease relationship is limited; therefore, the clinical significance of this alteration is unclear.

NM_002907.4(RECQL):c.1216G>T (p.Gly406Cys)

Gene: RECQL (RecQ like helicase; minus strand). Cytogenetic location: 12p12.1.
Variant type: single nucleotide variant.
Coding change: c.1216G>T on transcript NM_002907.4 (MANE Select); coding-DNA position 1216, G replaced by T.
Protein change: p.Gly406Cys; replaces glycine 406 with cysteine.
Molecular consequence: missense variant.
Genome position (GRCh38, 1-based): chr12:21,475,468, C>A on the plus strand (G>T on the coding strand, the complement: RECQL is on the minus strand). VCF-style: chr12-21475468-C-A. GRCh37 (hg19) VCF-style: chr12-21628402-C-A.
Other names: c.1216G>T, p.Gly406Cys (NM_032941.3); short protein forms G406C.
Identifiers: ClinVar variation 1751811 (VCV001751811.2), dbSNP rs2540344153, ClinGen allele CA384119114.
Genomic context (GRCh38, chr12:21,475,468, plus strand): 5'-ATCATGTATTTTTTGGAAAAGCTTTCTAAAAATTTACTTCTGGATTTGAGTCCTACATAC[C>A]TGCACGTCCACTCTCTTGGTAATAATTTTCCATGGATTTACTCATTGAATGATGGATAAC-3'
Protein context (NP_002898.2, residues 396-416): ENYYQESGRA[Gly406Cys]RDDMKADCIL